The following is an entry in ClinVar:

ClinVar aggregate classification (germline): Uncertain significance (1 of 4 stars; one submission).

Allele frequency attached by ClinVar (database versions not stated): gnomAD 0.00001; TOPMed 0.00001; gnomAD exomes 0.00002.
gnomAD v4.1: 34 of 1,582,644 alleles (0.0021%); highest among the groups gnomAD compares: Non-Finnish European, 0.0029%; no homozygotes.

Submission:

Labcorp Genetics (formerly Invitae), Labcorp
Classification: Uncertain significance. Last evaluated: 2022-05-07. Review status: criteria provided, single submitter. Criteria: Invitae Variant Classification Sherloc (09022015). Collection method: clinical testing. Allele origin: germline.
Comment: This sequence change replaces isoleucine, which is neutral and non-polar, with valine, which is neutral and non-polar, at codon 673 of the COL18A1 protein (p.Ile673Val). This variant is not present in population databases (gnomAD no frequency). This variant has not been reported in the literature in individuals affected with COL18A1-related conditions. Experimental studies and prediction algorithms are not available or were not evaluated, and the functional significance of this variant is currently unknown. In summary, the available evidence is currently insufficient to determine the role of this variant in disease. Therefore, it has been classified as a Variant of Uncertain Significance.

NM_001379500.1(COL18A1):c.2017A>G (p.Ile673Val)

Gene: COL18A1 (collagen type XVIII alpha 1 chain; plus strand). Cytogenetic location: 21q22.3.
Variant type: single nucleotide variant.
Coding change: c.2017A>G on transcript NM_001379500.1 (MANE Select); coding-DNA position 2017, A replaced by G.
Protein change: p.Ile673Val; replaces isoleucine 673 with valine.
Molecular consequence: missense variant.
Genome position (GRCh38, 1-based): chr21:45,490,332, A>G. VCF-style: chr21-45490332-A-G. GRCh37 (hg19) VCF-style: chr21-46910246-A-G.
Other names: c.2557A>G, p.Ile853Val (NM_030582.4); c.3262A>G, p.Ile1088Val (NM_130444.3); short protein forms I1088V, I673V, I853V.
Identifiers: ClinVar variation 1916801 (VCV001916801.2), dbSNP rs1390487950, ClinGen allele CA410496805.
Genomic context (GRCh38, chr21:45,490,332, plus strand): 5'-CAGGGAGAAGTTGGAGCAGATGGAGTCCCCGGGTTCCCCGGCCTCCCTGGCAGAGAGGGC[A>G]TTGCTGGGCCCCAGGTGAGTTGCCTTGGTGGGCCCAGGGTGCAGGGGGGGCGTGGAGCCC-3'
Protein context (NP_001366429.1, residues 663-683): GFPGLPGREG[Ile673Val]AGPQGPKGDR